The following is an entry in ClinVar:

NM_002474.3(MYH11):c.513C>A (p.Asp171Glu)

Gene: MYH11 (myosin heavy chain 11; minus strand). Cytogenetic location: 16p13.11.
Variant type: single nucleotide variant.
Coding change: c.513C>A on transcript NM_002474.3 (MANE Select); coding-DNA position 513, C replaced by A.
Protein change: p.Asp171Glu; replaces aspartic acid 171 with glutamic acid.
Molecular consequence: missense variant.
Genome position (GRCh38, 1-based): chr16:15,798,677, G>T on the plus strand (C>A on the coding strand, the complement: MYH11 is on the minus strand). VCF-style: chr16-15798677-G-T. GRCh37 (hg19) VCF-style: chr16-15892534-G-T.
Other names: c.513C>A, p.Asp171Glu (NM_001040113.2, NM_001040114.2, NM_022844.3); c.513C>A (NM_002474.2); short protein forms D171E.
Identifiers: ClinVar variation 3710913 (VCV003710913.3).

ClinVar aggregate classification (germline): Uncertain significance. Review status: criteria provided, multiple submitters, no conflicts (2 of 4 stars). 2 submissions from 2 submitters: Uncertain significance (2). Last evaluated 2026-02-19.

Conditions:
Aortic aneurysm, familial thoracic 4 (AAT4). Also called: AORTIC ANEURYSM/AORTIC DISSECTION AND PATENT DUCTUS ARTERIOSUS. Identifiers: MedGen C1851504, MONDO:0007568, OMIM 132900.

Submissions (2):

GeneDx
Classification: Uncertain significance. Last evaluated: 2026-02-19. Review status: criteria provided, single submitter. Criteria: GeneDx Variant Classification Process June 2021. Collection method: clinical testing. Allele origin: germline.
Comment: Not observed at significant frequency in large population cohorts (gnomAD); In silico analysis supports that this missense variant has a deleterious effect on protein structure/function; Has not been previously published as pathogenic or benign to our knowledge

Labcorp Genetics (formerly Invitae), Labcorp
Classification: Uncertain significance for Aortic aneurysm, familial thoracic 4. Last evaluated: 2024-03-01. Review status: criteria provided, single submitter. Criteria: Invitae Variant Classification Sherloc (09022015). Collection method: clinical testing. Allele origin: germline.
Comment: This sequence change replaces aspartic acid, which is acidic and polar, with glutamic acid, which is acidic and polar, at codon 171 of the MYH11 protein (p.Asp171Glu). This variant is not present in population databases (gnomAD no frequency). This variant has not been reported in the literature in individuals affected with MYH11-related conditions. Advanced modeling of protein sequence and biophysical properties (such as structural, functional, and spatial information, amino acid conservation, physicochemical variation, residue mobility, and thermodynamic stability) has been performed at Invitae for this missense variant, however the output from this modeling did not meet the statistical confidence thresholds required to predict the impact of this variant on MYH11 protein function. In summary, the available evidence is currently insufficient to determine the role of this variant in disease. Therefore, it has been classified as a Variant of Uncertain Significance.